The following is an entry in ClinVar:

NM_014003.4(DHX38):c.3154A>G (p.Met1052Val)

Genes: DHX38 (DEAH-box helicase 38; plus strand), LOC126862391 (CDK7 strongly-dependent group 2 enhancer GRCh37_chr16:72141414-72142613; plus strand). Cytogenetic location: 16q22.2.
Variant type: single nucleotide variant.
Coding change: c.3154A>G on transcript NM_014003.4 (MANE Select); coding-DNA position 3154, A replaced by G.
Protein change: p.Met1052Val; replaces methionine 1052 with valine.
Molecular consequence: missense variant.
Genome position (GRCh38, 1-based): chr16:72,108,506, A>G. VCF-style: chr16-72108506-A-G. GRCh37 (hg19) VCF-style: chr16-72142405-A-G.
Other names: short protein forms M1052V.
Identifiers: ClinVar variation 1007107 (VCV001007107.9), dbSNP rs775146582, ClinGen allele CA8160897.

ClinVar aggregate classification (germline): Uncertain significance (1 of 4 stars; one submission).

Allele frequency attached by ClinVar (database versions not stated): TOPMed 0.00001; ExAC 0.00002; gnomAD 0.00002; gnomAD exomes 0.00002.

Submission:

Labcorp Genetics (formerly Invitae), Labcorp
Classification: Uncertain significance. Last evaluated: 2025-05-27. Review status: criteria provided, single submitter. Criteria: Invitae Variant Classification Sherloc (09022015). Collection method: clinical testing. Allele origin: germline.
Comment: This sequence change replaces methionine, which is neutral and non-polar, with valine, which is neutral and non-polar, at codon 1052 of the DHX38 protein (p.Met1052Val). This variant is present in population databases (rs775146582, gnomAD 0.004%). This variant has not been reported in the literature in individuals affected with DHX38-related conditions. ClinVar contains an entry for this variant (Variation ID: 1007107). Invitae Evidence Modeling of protein sequence and biophysical properties (such as structural, functional, and spatial information, amino acid conservation, physicochemical variation, residue mobility, and thermodynamic stability) indicates that this missense variant is not expected to disrupt DHX38 protein function with a negative predictive value of 80%. In summary, the available evidence is currently insufficient to determine the role of this variant in disease. Therefore, it has been classified as a Variant of Uncertain Significance.